The following is an entry in ClinVar:

ClinVar aggregate classification (germline): Conflicting classifications of pathogenicity. Review status: criteria provided, conflicting classifications (1 of 4 stars). 5 submissions from 5 submitters: Uncertain significance (4); Benign (1). Last evaluated 2026-09-25.

Conditions:
Primary ciliary dyskinesia. Also called: Ciliary dyskinesia. Identifiers: Orphanet 244, MedGen C0008780, MONDO:0016575, HP:0012265.
Primary ciliary dyskinesia 7. Also called: CILIARY DYSKINESIA, PRIMARY, 7, WITH OR WITHOUT SITUS INVERSUS. Identifiers: Orphanet 244, MedGen C2678473, MONDO:0012748, OMIM 611884.

Allele frequency attached by ClinVar (database versions not stated): ESP Exome Variant Server 0.00017; TOPMed 0.00007; gnomAD 0.00016 and 0.00014; gnomAD exomes 0.00008; ExAC 0.00010.
gnomAD v4.1: 119 of 1,613,642 alleles (0.0074%); highest among the groups gnomAD compares: Middle Eastern, 0.033%; no homozygotes.

Submissions (5):

GeneDx
Classification: Uncertain significance. Last evaluated: 2026-09-25. Review status: criteria provided, single submitter. Criteria: GeneDx Variant Classification Process June 2021. Collection method: clinical testing. Allele origin: germline.
Comment: In silico analysis supports that this missense variant has a deleterious effect on protein structure/function; This variant is associated with the following publications: (PMID: 35982159, 35982160, 34768622)

Labcorp Genetics (formerly Invitae), Labcorp
Classification: Benign for Primary ciliary dyskinesia. Last evaluated: 2026-01-19. Review status: criteria provided, single submitter. Criteria: Invitae Variant Classification Sherloc (09022015). Collection method: clinical testing. Allele origin: germline.

Ambry Genetics
Classification: Uncertain significance for Primary ciliary dyskinesia. Last evaluated: 2023-07-12. Review status: criteria provided, single submitter. Criteria: Ambry Variant Classification Scheme 2023. Collection method: clinical testing. Allele origin: germline.

Fulgent Genetics
Classification: Uncertain significance for Primary ciliary dyskinesia 7. Last evaluated: 2022-01-18. Review status: criteria provided, single submitter. Criteria: ACMG Guidelines, 2015. Collection method: clinical testing. Allele origin: unknown.

Illumina Laboratory Services, Illumina
Classification: Uncertain significance for Primary ciliary dyskinesia 7. Last evaluated: 2018-01-12. Review status: criteria provided, single submitter. Criteria: ICSL Variant Classification Criteria 13 December 2019. Collection method: clinical testing. Allele origin: germline.

NM_001277115.2(DNAH11):c.8230C>T (p.Arg2744Cys)

Gene: DNAH11 (dynein axonemal heavy chain 11; plus strand). Cytogenetic location: 7p15.3.
Variant type: single nucleotide variant.
Coding change: c.8230C>T on transcript NM_001277115.2 (MANE Select); coding-DNA position 8230, C replaced by T.
Protein change: p.Arg2744Cys; replaces arginine 2744 with cysteine.
Molecular consequence: missense variant.
Genome position (GRCh38, 1-based): chr7:21,744,513, C>T. VCF-style: chr7-21744513-C-T. GRCh37 (hg19) VCF-style: chr7-21784131-C-T.
Other names: short protein forms R2744C.
Identifiers: ClinVar variation 834254 (VCV000834254.19), dbSNP rs374826188, ClinGen allele CA4181513.